The following is an entry in ClinVar:

ClinVar aggregate classification (germline): Uncertain significance. Review status: criteria provided, multiple submitters, no conflicts (2 of 4 stars). 2 submissions from 2 submitters: Uncertain significance (2). Last evaluated 2023-03-27.

Allele frequency attached by ClinVar (database versions not stated): gnomAD exomes below 0.00001.
gnomAD v4.1: 3 of 1,611,214 alleles (0.00019%); highest among the groups gnomAD compares: Middle Eastern, 0.016%; no homozygotes.

Submissions (2):

Ambry Genetics
Classification: Uncertain significance. Last evaluated: 2023-03-27. Review status: criteria provided, single submitter. Criteria: Ambry Variant Classification Scheme 2023. Collection method: clinical testing. Allele origin: germline.

Labcorp Genetics (formerly Invitae), Labcorp
Classification: Uncertain significance. Last evaluated: 2023-03-09. Review status: criteria provided, single submitter. Criteria: Invitae Variant Classification Sherloc (09022015). Collection method: clinical testing. Allele origin: germline.
Comment: This sequence change replaces glutamine, which is neutral and polar, with histidine, which is basic and polar, at codon 295 of the POC5 protein (p.Gln295His). This variant is not present in population databases (gnomAD no frequency). This variant has not been reported in the literature in individuals affected with POC5-related conditions. An algorithm developed to predict the effect of missense changes on protein structure and function (PolyPhen-2) suggests that this variant is likely to be disruptive. In summary, the available evidence is currently insufficient to determine the role of this variant in disease. Therefore, it has been classified as a Variant of Uncertain Significance.

NM_001099271.2(POC5):c.885G>C (p.Gln295His)

Gene: POC5 (POC5 centriolar protein; minus strand). Cytogenetic location: 5q13.3.
Variant type: single nucleotide variant.
Coding change: c.885G>C on transcript NM_001099271.2 (MANE Select); coding-DNA position 885, G replaced by C.
Protein change: p.Gln295His; replaces glutamine 295 with histidine.
Molecular consequence: missense variant.
Genome position (GRCh38, 1-based): chr5:75,690,473, C>G on the plus strand (G>C on the coding strand, the complement: POC5 is on the minus strand). VCF-style: chr5-75690473-C-G. GRCh37 (hg19) VCF-style: chr5-74986298-C-G.
Other names: c.810G>C, p.Gln270His (NM_152408.3); short protein forms Q270H, Q295H.
Identifiers: ClinVar variation 2523608 (VCV002523608.5), dbSNP rs2478827166, ClinGen allele CA360146450.